The following is an entry in ClinVar:

ClinVar aggregate classification (germline): Likely benign. Review status: criteria provided, multiple submitters, no conflicts (2 of 4 stars). 2 submissions from 2 submitters: Likely benign (2). Last evaluated 2021-05-31.

Conditions:
Nemaline myopathy 2 (NEM2). Also called: Nemaline myopathy 2, autosomal recessive. Identifiers: MedGen C1850569, MONDO:0009725, OMIM 256030.

Submissions (2):

Labcorp Genetics (formerly Invitae), Labcorp
Classification: Likely benign for Nemaline myopathy 2. Last evaluated: 2021-05-31. Review status: criteria provided, single submitter. Criteria: Invitae Variant Classification Sherloc (09022015). Collection method: clinical testing. Allele origin: germline.

GeneDx
Classification: Likely benign. Last evaluated: 2018-02-05. Review status: criteria provided, single submitter. Criteria: GeneDx Variant Classification (06012015). Collection method: clinical testing. Allele origin: germline. Affected: yes.
Comment: This variant is considered likely benign or benign based on one or more of the following criteria: it is a conservative change, it occurs at a poorly conserved position in the protein, it is predicted to be benign by multiple in silico algorithms, and/or has population frequency not consistent with disease.

NM_001164508.2(NEB):c.5595C>T (p.Ser1865=)

Gene: NEB (nebulin; minus strand). Cytogenetic location: 2q23.3.
Variant type: single nucleotide variant.
Coding change: c.5595C>T on transcript NM_001164508.2 (MANE Select); coding-DNA position 5595, C replaced by T.
Protein change: p.Ser1865=; no amino-acid change (serine 1865 retained).
Molecular consequence: synonymous variant.
Genome position (GRCh38, 1-based): chr2:151,663,716, G>A on the plus strand (C>T on the coding strand, the complement: NEB is on the minus strand). VCF-style: chr2-151663716-G-A. GRCh37 (hg19) VCF-style: chr2-152520230-G-A.
Other names: c.5595C>T, p.Ser1865= (NM_001164507.2, NM_001271208.2, NM_004543.5).
Identifiers: ClinVar variation 515176 (VCV000515176.8), dbSNP rs1553485337, ClinGen allele CA429453277.